The following is an entry in ClinVar:

ClinVar aggregate classification (germline): Benign (0 of 4 stars; one submission).

Conditions:
PRRC2A-related disorder. Also called: PRRC2A-related condition.

Allele frequency attached by ClinVar (database versions not stated): 1000 Genomes Project 30x 0.00203; 1000 Genomes Project 0.00240; ESP Exome Variant Server 0.01043; gnomAD 0.01176; ExAC 0.01414.
gnomAD v4.1: 22,343 of 1,613,422 alleles (1.4%); highest among the groups gnomAD compares: Non-Finnish European, 1.7%; 245 homozygotes.

Submission:

PreventionGenetics, part of Exact Sciences
Classification: Benign for PRRC2A-related condition. Last evaluated: 2019-02-19. Review status: no assertion criteria provided. Collection method: clinical testing. Allele origin: germline.
Comment: This variant is classified as benign based on ACMG/AMP sequence variant interpretation guidelines (Richards et al. 2015 PMID: 25741868, with internal and published modifications).

NM_004638.4(PRRC2A):c.3656C>A (p.Ser1219Tyr)

Gene: PRRC2A (proline rich coiled-coil 2A; plus strand). Cytogenetic location: 6p21.33.
Variant type: single nucleotide variant.
Coding change: c.3656C>A on transcript NM_004638.4 (MANE Select); coding-DNA position 3656, C replaced by A.
Protein change: p.Ser1219Tyr; replaces serine 1219 with tyrosine.
Molecular consequence: missense variant.
Genome position (GRCh38, 1-based): chr6:31,632,329, C>A. VCF-style: chr6-31632329-C-A. GRCh37 (hg19) VCF-style: chr6-31600106-C-A.
Other names: c.3656C>A, p.Ser1219Tyr (NM_080686.3); short protein forms S1219Y.
Identifiers: ClinVar variation 3055264 (VCV003055264.2), dbSNP rs41273264, ClinGen allele CA3715981.